The following is an entry in ClinVar:

ClinVar aggregate classification (germline): Uncertain significance (1 of 4 stars; one submission).

Submission:

GeneDx
Classification: Uncertain significance. Last evaluated: 2024-11-20. Review status: criteria provided, single submitter. Criteria: GeneDx Variant Classification Process June 2021. Collection method: clinical testing. Allele origin: germline. Affected: yes.
Comment: Not observed at significant frequency in large population cohorts (gnomAD); In silico analysis supports a deleterious effect on splicing; Has not been previously published as pathogenic or benign to our knowledge

NM_032217.5(ANKRD17):c.4025+5G>A

Gene: ANKRD17 (ankyrin repeat domain 17; minus strand). Cytogenetic location: 4q13.3.
Variant type: single nucleotide variant.
Coding change: c.4025+5G>A on transcript NM_032217.5 (MANE Select); 5 bases into the intron after coding-DNA position 4025, G replaced by A.
Molecular consequence: intron variant.
Genome position (GRCh38, 1-based): chr4:73,120,157, C>T on the plus strand (G>A on the coding strand, the complement: ANKRD17 is on the minus strand). VCF-style: chr4-73120157-C-T. GRCh37 (hg19) VCF-style: chr4-73985874-C-T.
Other names: c.3272+5G>A (NM_198889.3); c.4022+5G>A (NM_015574.2); c.3686+5G>A (NM_001286771.3).
Identifiers: ClinVar variation 3900537 (VCV003900537.1).